The following continues an entry in ClinVar:

NM_001267550.2(TTN):c.63023C>T (p.Thr21008Ile)

ClinVar aggregate classification (germline): Benign/Likely benign. Benign (17); Likely benign (8).

Submissions 21 to 32 of 32:

Ambry Genetics
Classification: Benign for Cardiovascular phenotype. Last evaluated: 2013-02-08. Review status: criteria provided, single submitter. Criteria: Ambry Autosomal Dominant and X-Linked criteria (10/2015). Collection method: clinical testing. Allele origin: germline. Observed: 1 variant allele.

GeneDx
Classification: Benign. Last evaluated: 2012-11-19. Review status: criteria provided, single submitter. Criteria: GeneDx Variant Classification (06012015). Collection method: clinical testing. Allele origin: germline. Affected: yes.
Comment: This variant is considered likely benign or benign based on one or more of the following criteria: it is a conservative change, it occurs at a poorly conserved position in the protein, it is predicted to be benign by multiple in silico algorithms, and/or has population frequency not consistent with disease.

Laboratory for Molecular Medicine, Mass General Brigham Personalized Medicine
Classification: Benign. Last evaluated: 2012-02-17. Review status: criteria provided, single submitter. Criteria: LMM Criteria. Collection method: clinical testing. Allele origin: germline. Observed: 51 variant alleles.
Comment: Thr18440Ile in exon 253 of TTN: This variant is not expected to have clinical si gnificance because it has been identified in 1.5% (103/6642) of European America n chromosomes from a broad population by the NHLBI Exome Sequencing Project (dbSNP rs72646850).

Breakthrough Genomics
Classification: Likely benign. Review status: criteria provided, single submitter. Criteria: ACMG Guidelines, 2015. Collection method: not provided. Allele origin: germline. Inheritance: Autosomal recessive inheritance. Affected: yes.

PreventionGenetics, part of Exact Sciences
Classification: Likely benign. Review status: criteria provided, single submitter. Criteria: ACMG Guidelines, 2015. Collection method: clinical testing. Allele origin: germline.

Clinical Genetics DNA and cytogenetics Diagnostics Lab, Erasmus MC, Erasmus Medical Center
Classification: Benign. Review status: no assertion criteria provided. Collection method: clinical testing. Allele origin: germline. Affected: yes. Study: VKGL Data-share Consensus. Not counted in ClinVar's aggregate classification.

Clinical Genetics, Academic Medical Center
Classification: Benign. Review status: no assertion criteria provided. Collection method: clinical testing. Allele origin: germline. Affected: yes. Study: VKGL Data-share Consensus. Not counted in ClinVar's aggregate classification.

Diagnostic Laboratory, Department of Genetics, University Medical Center Groningen
Classification: Likely benign. Review status: no assertion criteria provided. Collection method: clinical testing. Allele origin: germline. Affected: yes. Study: VKGL Data-share Consensus. Not counted in ClinVar's aggregate classification.

Genetic Services Laboratory, University of Chicago
Classification: Likely benign for AllHighlyPenetrant. Review status: no assertion criteria provided. Collection method: clinical testing. Allele origin: germline. Not counted in ClinVar's aggregate classification.
Comment: Likely benign based on allele frequency in 1000 Genomes Project or ESP global frequency and its presence in a patient with a rare or unrelated disease phenotype. NOT Sanger confirmed.

Genome Diagnostics Laboratory, University Medical Center Utrecht
Classification: Benign. Review status: no assertion criteria provided. Collection method: clinical testing. Allele origin: germline. Affected: yes. Study: VKGL Data-share Consensus. Not counted in ClinVar's aggregate classification.

Joint Genome Diagnostic Labs from Nijmegen and Maastricht, Radboudumc and MUMC+
Classification: Benign. Review status: no assertion criteria provided. Collection method: clinical testing. Allele origin: germline. Affected: yes. Study: VKGL Data-share Consensus. Not counted in ClinVar's aggregate classification.

Laboratory of Diagnostic Genome Analysis, Leiden University Medical Center (LUMC)
Classification: Likely benign. Review status: no assertion criteria provided. Collection method: clinical testing. Allele origin: germline. Affected: yes. Study: VKGL Data-share Consensus. Not counted in ClinVar's aggregate classification.

Literature cited by the submitters: PubMed 31847883 (cited by Athena Diagnostics).